The following is an entry in ClinVar:

ClinVar aggregate classification (germline): Pathogenic (1 of 4 stars; one submission).

Submission:

Labcorp Genetics (formerly Invitae), Labcorp
Classification: Pathogenic. Last evaluated: 2021-11-20. Review status: criteria provided, single submitter. Criteria: Invitae Variant Classification Sherloc (09022015). Collection method: clinical testing. Allele origin: germline.
Comment: This sequence change creates a premature translational stop signal (p.Thr1172Argfs*4) in the COL4A3 gene. It is expected to result in an absent or disrupted protein product. Loss-of-function variants in COL4A3 are known to be pathogenic (PMID: 8956999, 24854265, 26809805, 27281700). This variant is not present in population databases (gnomAD no frequency). This variant has not been reported in the literature in individuals affected with COL4A3-related conditions. For these reasons, this variant has been classified as Pathogenic.

Literature cited by the submitters: PubMed 8956999; PubMed 24854265; PubMed 26809805; PubMed 27281700.

NM_000091.5(COL4A3):c.3514del (p.Thr1172fs)

Genes: COL4A3 (collagen type IV alpha 3 chain; plus strand), MFF-DT (MFF divergent transcript; minus strand). Cytogenetic location: 2q36.3.
Variant type: Deletion.
Coding change: c.3514del on transcript NM_000091.5 (MANE Select); coding-DNA position 3514, one base deleted (A; older notation c.3514delA).
Protein change: p.Thr1172fs; shifts the reading frame from threonine 1172.
Molecular consequence: frameshift variant.
Genome position (GRCh38, 1-based): chr2:227,295,059, A deleted; the last of 3 consecutive A bases (chr2:227,295,057-227,295,059); deleting any one gives the same sequence. VCF-style (leftmost placement, unchanged base first): chr2-227295056-GA-G. GRCh37 (hg19) VCF-style: chr2-228159772-GA-G.
Other names: short protein forms T1172fs.
Identifiers: ClinVar variation 1454315 (VCV001454315.6), dbSNP rs2106236126, ClinGen allele CA2573135481.
Genomic context (GRCh38, chr2:227,295,056, plus strand): 5'-ATGGGTATAAGAGGTGACCAAGGACGTGATGGAATTCCTGGTCCAGCCGGAGAAAAGGGA[GA>G]AACGGGTACAACTTGCTCATTATCTTTGATCCGTTAGTTTTATTTTGGATAGAATCATTA-3'